The following is an entry in ClinVar:

ClinVar aggregate classification (germline): Benign/Likely benign. Review status: criteria provided, multiple submitters, no conflicts (2 of 4 stars). 3 submissions from 3 submitters: Benign (1); Likely benign (2). Last evaluated 2026-07-02.

Conditions:
Sessile serrated polyposis cancer syndrome (SSPCS). Identifiers: Orphanet 157798, MedGen C4310714, MONDO:0014919, OMIM 617108.

Submissions (3):

Myriad Genetics, Inc.
Classification: Benign for Sessile serrated polyposis cancer syndrome. Last evaluated: 2026-07-02. Review status: criteria provided, single submitter. Criteria: Myriad Autosomal Dominant, Autosomal Recessive and X-Linked Classification Criteria (2023). Collection method: clinical testing. Allele origin: unknown.
Comment: This variant is considered benign. This variant is a silent/synonymous amino acid change and it is not expected to impact splicing.

Labcorp Genetics (formerly Invitae), Labcorp
Classification: Likely benign. Last evaluated: 2025-08-01. Review status: criteria provided, single submitter. Criteria: Invitae Variant Classification Sherloc (09022015). Collection method: clinical testing. Allele origin: germline.

Ambry Genetics
Classification: Likely benign. Last evaluated: 2025-02-03. Review status: criteria provided, single submitter. Criteria: Ambry Variant Classification Scheme 2023. Collection method: clinical testing. Allele origin: germline.

NM_017763.6(RNF43):c.1668C>T (p.His556=)

Gene: RNF43 (ring finger protein 43; minus strand). Cytogenetic location: 17q22.
Variant type: single nucleotide variant.
Coding change: c.1668C>T on transcript NM_017763.6 (MANE Select); coding-DNA position 1668, C replaced by T.
Protein change: p.His556=; no amino-acid change (histidine 556 retained).
Molecular consequence: synonymous variant.
Genome position (GRCh38, 1-based): chr17:58,358,108, G>A on the plus strand (C>T on the coding strand, the complement: RNF43 is on the minus strand). VCF-style: chr17-58358108-G-A. GRCh37 (hg19) VCF-style: chr17-56435469-G-A.
Other names: c.1668C>T, p.His556= (NM_001305544.3); c.1287C>T, p.His429= (NM_001305545.2).
Identifiers: ClinVar variation 3789925 (VCV003789925.3).